The following is an entry in ClinVar:

NM_001267550.2(TTN):c.5576G>A (p.Arg1859Lys)

Gene: TTN (titin; minus strand). Cytogenetic location: 2q31.2.
Variant type: single nucleotide variant.
Coding change: c.5576G>A on transcript NM_001267550.2 (MANE Select); coding-DNA position 5576, G replaced by A.
Protein change: p.Arg1859Lys; replaces arginine 1859 with lysine.
Molecular consequence: missense variant.
Genome position (GRCh38, 1-based): chr2:178,776,288, C>T on the plus strand (G>A on the coding strand, the complement: TTN is on the minus strand). VCF-style: chr2-178776288-C-T. GRCh37 (hg19) VCF-style: chr2-179641015-C-T.
Other names: c.5576G>A, p.Arg1859Lys (NM_001256850.1, NM_133378.4, NM_133379.5); c.5438G>A, p.Arg1813Lys (NM_003319.4, NM_133432.3, NM_133437.4); short protein forms R1859K, R1813K.
Identifiers: ClinVar variation 1028578 (VCV001028578.1), dbSNP rs777923620, ClinGen allele CA349450280.
Genomic context (GRCh38, chr2:178,776,288, plus strand): 5'-TGTCCATTGAGGTACCAGTTGACTTTGGGCTGAGGGTAGCCTGTTACCCTGCAGCGGAAC[C>T]TTGCAGTCTCCCCTTCAAGTACTCTAACTGGCTCTGGGTACAAGACAATGTCTGGCTTTT-3'
Protein context (NP_001254479.2, residues 1849-1869): PVRVLEGETA[Arg1859Lys]FRCRVTGYPQ

ClinVar aggregate classification (germline): Uncertain significance (1 of 4 stars; one submission).

Conditions:
Autosomal recessive limb-girdle muscular dystrophy type 2J (LGMDR10). Also called: MUSCULAR DYSTROPHY, LIMB-GIRDLE, AUTOSOMAL RECESSIVE 10; Limb-girdle muscular dystrophy, type 2J. Identifiers: Orphanet 140922, MedGen C1837342, MONDO:0012127, OMIM 608807.

Submission:

Baylor Genetics
Classification: Uncertain significance for Autosomal recessive limb-girdle muscular dystrophy type 2J. Last evaluated: 2020-01-08. Review status: criteria provided, single submitter. Criteria: ACMG Guidelines, 2015. Collection method: clinical testing. Allele origin: unknown. Affected: yes.
Comment: This variant was determined to be of uncertain significance according to ACMG Guidelines, 2015 [PMID:25741868].